The following is an entry in ClinVar:

NM_004553.6(NDUFS6):c.132+1G>C

Gene: NDUFS6 (NADH:ubiquinone oxidoreductase subunit S6; plus strand). Cytogenetic location: 5p15.33.
Variant type: single nucleotide variant.
Coding change: c.132+1G>C on transcript NM_004553.6 (MANE Select); the canonical splice donor site of the intron after coding-DNA position 132, G replaced by C.
Molecular consequence: splice donor variant.
Genome position (GRCh38, 1-based): chr5:1,801,550, G>C. VCF-style: chr5-1801550-G-C. GRCh37 (hg19) VCF-style: chr5-1801664-G-C.
Identifiers: ClinVar variation 2010865 (VCV002010865.4), dbSNP rs1458174396, ClinGen allele CA359088846.

ClinVar aggregate classification (germline): Likely pathogenic (1 of 4 stars; one submission).

Submission:

Labcorp Genetics (formerly Invitae), Labcorp
Classification: Likely pathogenic. Last evaluated: 2022-06-26. Review status: criteria provided, single submitter. Criteria: Invitae Variant Classification Sherloc (09022015). Collection method: clinical testing. Allele origin: germline.
Comment: Algorithms developed to predict the effect of sequence changes on RNA splicing suggest that this variant may disrupt the consensus splice site. This variant has not been reported in the literature in individuals affected with NDUFS6-related conditions. This variant is not present in population databases (gnomAD no frequency). This sequence change affects a donor splice site in intron 1 of the NDUFS6 gene. It is expected to disrupt RNA splicing. Variants that disrupt the donor or acceptor splice site typically lead to a loss of protein function (PMID: 16199547), and loss-of-function variants in NDUFS6 are known to be pathogenic (PMID: 15372108). In summary, the currently available evidence indicates that the variant is pathogenic, but additional data are needed to prove that conclusively. Therefore, this variant has been classified as Likely Pathogenic.

Literature cited by the submitters: PubMed 16199547; PubMed 15372108.